The following is an entry in ClinVar:

NM_001322934.2(NFKB2):c.2183T>G (p.Phe728Cys)

Gene: NFKB2 (nuclear factor kappa B subunit 2; plus strand). Cytogenetic location: 10q24.32.
Variant type: single nucleotide variant.
Coding change: c.2183T>G on transcript NM_001322934.2 (MANE Select); coding-DNA position 2183, T replaced by G.
Protein change: p.Phe728Cys; replaces phenylalanine 728 with cysteine.
Molecular consequence: missense variant.
Genome position (GRCh38, 1-based): chr10:102,401,291, T>G. VCF-style: chr10-102401291-T-G. GRCh37 (hg19) VCF-style: chr10-104161048-T-G.
Other names: c.2057T>G, p.Phe686Cys (NM_001322935.1); c.2183T>G, p.Phe728Cys (NM_002502.6, NM_001077493.1, NM_001077494.3 and 2 more transcripts); short protein forms F686C, F728C.
Identifiers: ClinVar variation 2866255 (VCV002866255.3), dbSNP rs1222717062, ClinGen allele CA377904281.

ClinVar aggregate classification (germline): Uncertain significance (1 of 4 stars; one submission).

Conditions:
Immunodeficiency, common variable, 10. Also called: IMMUNODEFICIENCY, COMMON VARIABLE, WITH CENTRAL ADRENAL INSUFFICIENCY; DEFICIT IN ANTERIOR PITUITARY FUNCTION AND VARIABLE IMMUNODEFICIENCY. Identifiers: MedGen C3809991, MONDO:0014260, OMIM 615577.

Allele frequency attached by ClinVar (database versions not stated): TOPMed below 0.00001.

Submission:

Labcorp Genetics (formerly Invitae), Labcorp
Classification: Uncertain significance for Immunodeficiency, common variable, 10. Last evaluated: 2023-12-11. Review status: criteria provided, single submitter. Criteria: Invitae Variant Classification Sherloc (09022015). Collection method: clinical testing. Allele origin: germline.
Comment: This sequence change replaces phenylalanine, which is neutral and non-polar, with cysteine, which is neutral and slightly polar, at codon 728 of the NFKB2 protein (p.Phe728Cys). This variant is present in population databases (no rsID available, gnomAD 0.007%). This variant has not been reported in the literature in individuals affected with NFKB2-related conditions. An algorithm developed to predict the effect of missense changes on protein structure and function (PolyPhen-2) suggests that this variant is likely to be tolerated. In summary, the available evidence is currently insufficient to determine the role of this variant in disease. Therefore, it has been classified as a Variant of Uncertain Significance.